The following is an entry in ClinVar:

ClinVar aggregate classification (germline): Uncertain significance (1 of 4 stars; one submission).

Conditions:
Norman-Roberts syndrome (LIS2). Also called: Lissencephaly 2 (Norman-Roberts type). Identifiers: Orphanet 89844, MedGen C0796089, MONDO:0009760, OMIM 257320.
Familial temporal lobe epilepsy 7. Identifiers: Orphanet 101046, MedGen C4225327, MONDO:0014639, OMIM 616436.

Allele frequency attached by ClinVar (database versions not stated): gnomAD exomes below 0.00001.
gnomAD v4.1: 2 of 1,614,150 alleles (0.00012%); highest among the groups gnomAD compares: South Asian, 0.0011%; no homozygotes.

Submission:

Labcorp Genetics (formerly Invitae), Labcorp
Classification: Uncertain significance for Familial temporal lobe epilepsy 7; Norman-Roberts syndrome. Last evaluated: 2022-03-22. Review status: criteria provided, single submitter. Criteria: Invitae Variant Classification Sherloc (09022015). Collection method: clinical testing. Allele origin: germline.
Comment: In summary, the available evidence is currently insufficient to determine the role of this variant in disease. Therefore, it has been classified as a Variant of Uncertain Significance. Algorithms developed to predict the effect of missense changes on protein structure and function are either unavailable or do not agree on the potential impact of this missense change (SIFT: "Deleterious"; PolyPhen-2: "Benign"; Align-GVGD: "Class C0"). This variant has not been reported in the literature in individuals affected with RELN-related conditions. This variant is not present in population databases (gnomAD no frequency). This sequence change replaces isoleucine, which is neutral and non-polar, with threonine, which is neutral and polar, at codon 2123 of the RELN protein (p.Ile2123Thr).

NM_005045.4(RELN):c.6368T>C (p.Ile2123Thr)

Gene: RELN (reelin; minus strand). Cytogenetic location: 7q22.1.
Variant type: single nucleotide variant.
Coding change: c.6368T>C on transcript NM_005045.4 (MANE Select); coding-DNA position 6368, T replaced by C.
Protein change: p.Ile2123Thr; replaces isoleucine 2123 with threonine.
Molecular consequence: missense variant.
Genome position (GRCh38, 1-based): chr7:103,545,279, A>G on the plus strand (T>C on the coding strand, the complement: RELN is on the minus strand). VCF-style: chr7-103545279-A-G. GRCh37 (hg19) VCF-style: chr7-103185726-A-G.
Other names: c.6368T>C, p.Ile2123Thr (NM_173054.3); short protein forms I2123T.
Identifiers: ClinVar variation 1478756 (VCV001478756.8), dbSNP rs2117139982, ClinGen allele CA368771174.